The following is an entry in ClinVar:

NM_003200.5(TCF3):c.367-1G>T

Gene: TCF3 (transcription factor 3; minus strand). Cytogenetic location: 19p13.3.
Variant type: single nucleotide variant.
Coding change: c.367-1G>T on transcript NM_003200.5 (MANE Select); the canonical splice acceptor site of the intron before coding-DNA position 367, G replaced by T.
Molecular consequence: splice acceptor variant.
Genome position (GRCh38, 1-based): chr19:1,625,709, C>A on the plus strand (G>T on the coding strand, the complement: TCF3 is on the minus strand). VCF-style: chr19-1625709-C-A. GRCh37 (hg19) VCF-style: chr19-1625708-C-A.
Other names: c.367-1G>T (NM_001351778.2, NM_001136139.4, NM_001351779.2).
Identifiers: ClinVar variation 2018154 (VCV002018154.4), dbSNP rs2513852010, ClinGen allele CA403057306.

ClinVar aggregate classification (germline): Likely pathogenic (1 of 4 stars; one submission).

Submission:

Labcorp Genetics (formerly Invitae), Labcorp
Classification: Likely pathogenic. Last evaluated: 2024-08-14. Review status: criteria provided, single submitter. Criteria: Invitae Variant Classification Sherloc (09022015). Collection method: clinical testing. Allele origin: germline.
Comment: This sequence change affects an acceptor splice site in intron 6 of the TCF3 gene. It is expected to disrupt RNA splicing. Variants that disrupt the donor or acceptor splice site typically lead to a loss of protein function (PMID: 16199547), and loss-of-function variants in TCF3 are known to be pathogenic (PMID: 24216514, 30063982, 37277074). This variant is not present in population databases (gnomAD no frequency). This variant has not been reported in the literature in individuals affected with TCF3-related conditions. ClinVar contains an entry for this variant (Variation ID: 2018154). Algorithms developed to predict the effect of sequence changes on RNA splicing suggest that this variant may disrupt the consensus splice site. In summary, the currently available evidence indicates that the variant is pathogenic, but additional data are needed to prove that conclusively. Therefore, this variant has been classified as Likely Pathogenic.

Literature cited by the submitters: PubMed 16199547; PubMed 24216514; PubMed 30063982; PubMed 37277074.